The following is an entry in ClinVar:

NM_014915.3(ANKRD26):c.4594G>C (p.Asp1532His)

Gene: ANKRD26 (ankyrin repeat domain containing 26; minus strand). Cytogenetic location: 10p12.1.
Variant type: single nucleotide variant.
Coding change: c.4594G>C on transcript NM_014915.3 (MANE Select); coding-DNA position 4594, G replaced by C.
Protein change: p.Asp1532His; replaces aspartic acid 1532 with histidine.
Molecular consequence: missense variant.
Genome position (GRCh38, 1-based): chr10:27,014,624, C>G on the plus strand (G>C on the coding strand, the complement: ANKRD26 is on the minus strand). VCF-style: chr10-27014624-C-G. GRCh37 (hg19) VCF-style: chr10-27303553-C-G.
Other names: c.4591G>C, p.Asp1531His (NM_001256053.2); short protein forms D1532H, D1531H.
Identifiers: ClinVar variation 3781037 (VCV003781037.1).

ClinVar aggregate classification (germline): Uncertain significance (1 of 4 stars; one submission).

Submission:

GeneDx
Classification: Uncertain significance. Last evaluated: 2024-10-21. Review status: criteria provided, single submitter. Criteria: GeneDx Variant Classification Process June 2021. Collection method: clinical testing. Allele origin: germline. Affected: yes.
Comment: Not observed at significant frequency in large population cohorts (gnomAD); In silico analysis supports that this missense variant has a deleterious effect on protein structure/function; Has not been previously published as pathogenic or benign to our knowledge